The following is an entry in ClinVar:

NM_004466.6(GPC5):c.836G>A (p.Arg279Gln)

Gene: GPC5 (glypican 5; plus strand). Cytogenetic location: 13q31.3.
Variant type: single nucleotide variant.
Coding change: c.836G>A on transcript NM_004466.6 (MANE Select); coding-DNA position 836, G replaced by A.
Protein change: p.Arg279Gln; replaces arginine 279 with glutamine.
Molecular consequence: missense variant.
Genome position (GRCh38, 1-based): chr13:91,693,697, G>A. VCF-style: chr13-91693697-G-A. GRCh37 (hg19) VCF-style: chr13-92345951-G-A.
Other names: short protein forms R279Q.
Identifiers: ClinVar variation 3356467 (VCV003356467.1).

ClinVar aggregate classification (germline): Uncertain significance (0 of 4 stars; one submission).

Conditions:
GPC5-related disorder. Also called: GPC5-related condition.

gnomAD v4.1: 4 of 1,614,166 alleles (0.00025%); highest among the groups gnomAD compares: South Asian, 0.0011%; no homozygotes.

Submission:

PreventionGenetics, part of Exact Sciences
Classification: Uncertain significance for GPC5-related condition. Last evaluated: 2024-05-22. Review status: no assertion criteria provided. Collection method: clinical testing. Allele origin: germline.
Comment: The GPC5 c.836G>A variant is predicted to result in the amino acid substitution p.Arg279Gln. To our knowledge, this variant has not been reported in the literature. This variant is reported in 0.0033% of alleles in individuals of South Asian descent in gnomAD. At this time, the clinical significance of this variant is uncertain due to the absence of conclusive functional and genetic evidence.